The following is an entry in ClinVar:

NM_001127464.1:c.11718G>C

Gene: ZNF469 (zinc finger protein 469; plus strand).
Variant type: single nucleotide variant.
Identifiers: ClinVar variation 4795683 (VCV004795683.1).

ClinVar aggregate classification (germline): Uncertain significance (1 of 4 stars; one submission).

Submission:

GeneDx
Classification: Uncertain significance. Last evaluated: 2025-08-12. Review status: criteria provided, single submitter. Criteria: GeneDx Variant Classification Process June 2021. Collection method: clinical testing. Allele origin: germline. Affected: yes.
Comment: Not observed at significant frequency in large population cohorts (gnomAD); In silico analysis suggests that this missense variant does not alter protein structure/function; Has not been previously published as pathogenic or benign to our knowledge